The following is an entry in ClinVar:

NM_001184.4(ATR):c.-10C>T

Gene: ATR (ATR checkpoint kinase; minus strand). Cytogenetic location: 3q23.
Variant type: single nucleotide variant.
Coding change: c.-10C>T on transcript NM_001184.4 (MANE Select); 10 bases upstream of the start codon, C replaced by T.
Molecular consequence: 5 prime UTR variant.
Genome position (GRCh38, 1-based): chr3:142,578,714, G>A on the plus strand (C>T on the coding strand, the complement: ATR is on the minus strand). VCF-style: chr3-142578714-G-A. GRCh37 (hg19) VCF-style: chr3-142297556-G-A.
Other names: c.-10C>T (NM_001354579.2).
Identifiers: ClinVar variation 3036115 (VCV003036115.2), dbSNP rs749023710, ClinGen allele CA2650891.

ClinVar aggregate classification (germline): Likely benign (0 of 4 stars; one submission).

Conditions:
ATR-related disorder. Also called: ATR-related condition.

Allele frequency attached by ClinVar (database versions not stated): ExAC 0.00001; gnomAD exomes 0.00001; gnomAD 0.00009; TOPMed 0.00015.
gnomAD v4.1: 31 of 1,611,202 alleles (0.0019%); highest among the groups gnomAD compares: African/African-American, 0.039%; no homozygotes.

Submission:

PreventionGenetics, part of Exact Sciences
Classification: Likely benign for ATR-related condition. Last evaluated: 2022-04-06. Review status: no assertion criteria provided. Collection method: clinical testing. Allele origin: germline.
Comment: This variant is classified as likely benign based on ACMG/AMP sequence variant interpretation guidelines (Richards et al. 2015 PMID: 25741868, with internal and published modifications).